The following is an entry in ClinVar:

NM_001367823.1(ARHGEF18):c.2239G>A (p.Glu747Lys)

Gene: ARHGEF18 (Rho/Rac guanine nucleotide exchange factor 18; plus strand). Cytogenetic location: 19p13.2.
Variant type: single nucleotide variant.
Coding change: c.2239G>A on transcript NM_001367823.1 (MANE Select); coding-DNA position 2239, G replaced by A.
Protein change: p.Glu747Lys; replaces glutamic acid 747 with lysine.
Molecular consequence: missense variant.
Genome position (GRCh38, 1-based): chr19:7,458,569, G>A. VCF-style: chr19-7458569-G-A. GRCh37 (hg19) VCF-style: chr19-7523455-G-A.
Other names: c.1513G>A, p.Glu505Lys (NM_001130955.2); c.1201G>A, p.Glu401Lys (NM_001367824.1, NM_015318.4); short protein forms E505K, E401K, E747K.
Identifiers: ClinVar variation 844251 (VCV000844251.8), dbSNP rs1428024348, ClinGen allele CA403117660.
Genomic context (GRCh38, chr19:7,458,569, plus strand): 5'-CAGGACTCAAAGCCACCCGTCATCTCGTTACAAAAGCTCATCGTGAGGGAAGTGGCCAAC[G>A]AGGAGAAAGCGATGTTTCTGATCAGCGCCTCCTTGCAAGGGCCGGAGATGTATGAAATCT-3'
Protein context (NP_001354752.1, residues 737-757): QKLIVREVAN[Glu747Lys]EKAMFLISAS

ClinVar aggregate classification (germline): Uncertain significance. Review status: criteria provided, multiple submitters, no conflicts (2 of 4 stars). 2 submissions from 2 submitters: Uncertain significance (2). Last evaluated 2020-01-07.

Allele frequency attached by ClinVar (database versions not stated): gnomAD 0.00001; TOPMed 0.00001.
gnomAD v4.1: 9 of 1,614,002 alleles (0.00056%); highest among the groups gnomAD compares: Non-Finnish European, 0.00051%; no homozygotes.

Submissions (2):

Blueprint Genetics
Classification: Uncertain significance. Last evaluated: 2020-01-07. Review status: criteria provided, single submitter. Criteria: ACMG Guidelines, 2015. Collection method: clinical testing. Allele origin: germline.

Labcorp Genetics (formerly Invitae), Labcorp
Classification: Uncertain significance. Last evaluated: 2019-12-03. Review status: criteria provided, single submitter. Criteria: Invitae Variant Classification Sherloc (09022015). Collection method: clinical testing. Allele origin: germline.
Comment: In summary, the available evidence is currently insufficient to determine the role of this variant in disease. Therefore, it has been classified as a Variant of Uncertain Significance. Algorithms developed to predict the effect of missense changes on protein structure and function output the following: SIFT: "Deleterious"; PolyPhen-2: "Benign"; Align-GVGD: "Class C55". The lysine amino acid residue is found in multiple mammalian species, suggesting that this missense change does not adversely affect protein function. These predictions have not been confirmed by published functional studies and their clinical significance is uncertain. This variant has not been reported in the literature in individuals with ARHGEF18-related conditions. This variant is not present in population databases (ExAC no frequency). This sequence change replaces glutamic acid with lysine at codon 559 of the ARHGEF18 protein (p.Glu559Lys). The glutamic acid residue is highly conserved and there is a small physicochemical difference between glutamic acid and lysine.